The following is an entry in ClinVar:

ClinVar aggregate classification (germline): Uncertain significance (1 of 4 stars; one submission).

Conditions:
Adenylosuccinate lyase deficiency (ADSLD). Also called: ADSL DEFICIENCY. Identifiers: Orphanet 46, MedGen C0268126, MONDO:0007068, OMIM 103050.

Allele frequency attached by ClinVar (database versions not stated): gnomAD 0.00001; TOPMed 0.00001.

Submission:

Labcorp Genetics (formerly Invitae), Labcorp
Classification: Uncertain significance for Adenylosuccinate lyase deficiency. Last evaluated: 2022-07-01. Review status: criteria provided, single submitter. Criteria: Invitae Variant Classification Sherloc (09022015). Collection method: clinical testing. Allele origin: germline.
Comment: In summary, the available evidence is currently insufficient to determine the role of this variant in disease. Therefore, it has been classified as a Variant of Uncertain Significance. Experimental studies and prediction algorithms are not available or were not evaluated, and the functional significance of this variant is currently unknown. This variant has not been reported in the literature in individuals affected with ADSL-related conditions. This variant is not present in population databases (gnomAD no frequency). This variant occurs in a non-coding region of the ADSL gene. It does not change the encoded amino acid sequence of the ADSL protein.

NC_000022.11:g.40345505C>G

Gene: ADSL (adenylosuccinate lyase; plus strand). Cytogenetic location: 22q13.1.
Variant type: single nucleotide variant.
Genome position: GRCh38 VCF-style: chr22-40345505-C-G. GRCh37 (hg19) VCF-style: chr22-40741509-C-G.
Identifiers: ClinVar variation 1920408 (VCV001920408.6), dbSNP rs1162168332, ClinGen allele CA753179258.